The following is an entry in ClinVar:

ClinVar aggregate classification (germline): Conflicting classifications of pathogenicity. Review status: criteria provided, conflicting classifications (1 of 4 stars). 13 submissions from 13 submitters: Uncertain significance (7); Likely benign (2). 4 of the submissions do not count toward it. Last evaluated 2025-07-30.

Conditions:
MTTP-related disorder. Also called: MTTP-related condition.
Inborn genetic diseases. Identifiers: MedGen C0950123, MeSH D030342.
Abetalipoproteinaemia (ABL). Also called: MTP DEFICIENCY; Abetalipoproteinemia; Abetalipoproteinemia neuropathy; Apolipoprotein B deficiency; Congenital betalipoprotein deficiency syndrome. Identifiers: Orphanet 14, MedGen C0000744, MONDO:0008692, OMIM 200100, HP:0008181.

Allele frequency attached by ClinVar (database versions not stated): ExAC 0.00023; gnomAD 0.00028 and 0.00029; gnomAD exomes 0.00053 and 0.00036; ESP Exome Variant Server 0.00031; TOPMed 0.00037.
gnomAD v4.1: 829 of 1,614,082 alleles (0.051%); highest among the groups gnomAD compares: Middle Eastern, 0.31%; 1 homozygote.

Submissions (13):

Mayo Clinic Laboratories, Mayo Clinic
Classification: Uncertain significance. Last evaluated: 2025-07-30. Review status: criteria provided, single submitter. Criteria: ACMG Guidelines, 2015. Collection method: clinical testing. Allele origin: germline. Observed: 2 variant alleles.
Comment: BP4_moderate, PM2_supporting

Blueprint Genetics
Classification: Likely benign. Last evaluated: 2024-11-25. Review status: criteria provided, single submitter. Criteria: ACMG Guidelines, 2015. Collection method: clinical testing. Allele origin: germline.

Labcorp Genetics (formerly Invitae), Labcorp
Classification: Uncertain significance. Last evaluated: 2022-10-25. Review status: criteria provided, single submitter. Criteria: Invitae Variant Classification Sherloc (09022015). Collection method: clinical testing. Allele origin: germline.
Comment: This sequence change replaces proline, which is neutral and non-polar, with leucine, which is neutral and non-polar, at codon 886 of the MTTP protein (p.Pro886Leu). This variant is present in population databases (rs144600401, gnomAD 0.08%). This variant has not been reported in the literature in individuals affected with MTTP-related conditions. ClinVar contains an entry for this variant (Variation ID: 347046). Algorithms developed to predict the effect of missense changes on protein structure and function (SIFT, PolyPhen-2, Align-GVGD) all suggest that this variant is likely to be tolerated. In summary, the available evidence is currently insufficient to determine the role of this variant in disease. Therefore, it has been classified as a Variant of Uncertain Significance.

New York Genome Center
Classification: Uncertain significance for Abetalipoproteinaemia. Last evaluated: 2022-02-11. Review status: criteria provided, single submitter. Criteria: NYGC Assertion Criteria 2020. Collection method: clinical testing. Allele origin: germline. Observed: 1 heterozygote.

Ambry Genetics
Classification: Uncertain significance for Inborn genetic diseases. Last evaluated: 2021-09-15. Review status: criteria provided, single submitter. Criteria: Ambry Variant Classification Scheme 2023. Collection method: clinical testing. Allele origin: germline.

Pars Genome Lab
Classification: Uncertain significance for Abetalipoproteinaemia. Last evaluated: 2021-05-18. Review status: criteria provided, single submitter. Criteria: ACMG Guidelines, 2015. Collection method: clinical testing. Allele origin: germline. Affected: no.

Baylor Genetics
Classification: Uncertain significance for Abetalipoproteinaemia. Last evaluated: 2019-08-06. Review status: criteria provided, single submitter. Criteria: ACMG Guidelines, 2015. Collection method: clinical testing. Allele origin: unknown. Affected: yes.
Comment: This variant was determined to be of uncertain significance according to ACMG Guidelines, 2015 [PMID:25741868].

Illumina Laboratory Services, Illumina
Classification: Uncertain significance for Abetalipoproteinaemia. Last evaluated: 2018-01-13. Review status: criteria provided, single submitter. Criteria: ICSL Variant Classification Criteria 13 December 2019. Collection method: clinical testing. Allele origin: germline.

Clinical Genetics DNA and cytogenetics Diagnostics Lab, Erasmus MC, Erasmus Medical Center
Classification: Likely benign for Abetalipoproteinaemia. Last evaluated: 2017-06-28. Review status: criteria provided, single submitter. Criteria: ACGS Guidelines, 2013. Collection method: clinical testing. Allele origin: germline. Affected: yes. Study: VKGL Data-share Consensus.

PreventionGenetics, part of Exact Sciences
Classification: Uncertain significance for MTTP-related condition. Last evaluated: 2024-07-03. Review status: no assertion criteria provided. Collection method: clinical testing. Allele origin: germline. Not counted in ClinVar's aggregate classification.
Comment: The MTTP c.2657C>T variant is predicted to result in the amino acid substitution p.Pro886Leu. This variant was reported in an individual with retinal / optic nerve disease (Table S12, Diñeiro et al 2020. PubMed ID: 32483926). This variant is reported in 0.077% of alleles in individuals of Ashkenazi Jewish descent in gnomA. This variant could be benign. At this time, the clinical significance of this variant is uncertain due to the absence of conclusive functional and genetic evidence.

Natera, Inc.
Classification: Uncertain significance for Abetalipoproteinemia. Last evaluated: 2020-01-13. Review status: no assertion criteria provided. Collection method: clinical testing. Allele origin: germline. Not counted in ClinVar's aggregate classification.

Clinical Genetics, Academic Medical Center
Classification: Likely benign. Review status: no assertion criteria provided. Collection method: clinical testing. Allele origin: germline. Affected: yes. Study: VKGL Data-share Consensus. Not counted in ClinVar's aggregate classification.

Diagnostic Laboratory, Department of Genetics, University Medical Center Groningen
Classification: Likely benign for Abetalipoproteinaemia. Review status: no assertion criteria provided. Collection method: clinical testing. Allele origin: germline. Affected: yes. Study: VKGL Data-share Consensus. Not counted in ClinVar's aggregate classification.

Literature cited by the submitters: PubMed 32483926 (cited by Mayo Clinic Laboratories, Mayo Clinic).

NM_001386140.1(MTTP):c.2657C>T (p.Pro886Leu)

Gene: MTTP (microsomal triglyceride transfer protein; plus strand). Cytogenetic location: 4q23.
Variant type: single nucleotide variant.
Coding change: c.2657C>T on transcript NM_001386140.1 (MANE Select); coding-DNA position 2657, C replaced by T.
Protein change: p.Pro886Leu; replaces proline 886 with leucine.
Molecular consequence: missense variant.
Genome position (GRCh38, 1-based): chr4:99,622,820, C>T. VCF-style: chr4-99622820-C-T. GRCh37 (hg19) VCF-style: chr4-100543977-C-T.
Other names: p.Pro886Leu; c.2657C>T, p.Pro886Leu (NM_000253.4); c.2408C>T, p.Pro803Leu (NM_001300785.2); short protein forms P886L, P803L.
Identifiers: ClinVar variation 347046 (VCV000347046.24), dbSNP rs144600401, ClinGen allele CA3022422.
Genomic context (GRCh38, chr4:99,622,820, plus strand): 5'-GTGAATTCCCGCTCCATCAAGAGAACTCAGAGATGTGCAAAGTGGTGTTTGCCCCTCAGC[C>T]GGATAGTACTTCCAGCGGATGGTTTTGAAACTGACCTGTGATATTTTACTTGAATTTGTC-3'
Protein context (NP_001373069.1, residues 876-894): EMCKVVFAPQ[Pro886Leu]DSTSSGWF